The following is an entry in ClinVar:

NM_000059.4(BRCA2):c.6848C>A (p.Pro2283His)

Gene: BRCA2 (BRCA2 DNA repair associated; plus strand). Cytogenetic location: 13q13.1.
Variant type: single nucleotide variant.
Coding change: c.6848C>A on transcript NM_000059.4 (MANE Select); coding-DNA position 6848, C replaced by A.
Protein change: p.Pro2283His; replaces proline 2283 with histidine.
Molecular consequence: missense variant.
Genome position (GRCh38, 1-based): chr13:32,344,564, C>A. VCF-style: chr13-32344564-C-A. GRCh37 (hg19) VCF-style: chr13-32918701-C-A.
Other names: short protein forms P2283H.
Identifiers: ClinVar variation 52214 (VCV000052214.24), dbSNP rs80358910, ClinGen allele CA024517.

ClinVar aggregate classification (germline): Uncertain significance. Review status: criteria provided, multiple submitters, no conflicts (2 of 4 stars). 8 submissions from 8 submitters: Uncertain significance (7). 1 of the submissions does not count toward it. Last evaluated 2025-10-17.

Conditions:
Hereditary breast ovarian cancer syndrome. Also called: Hereditary breast and ovarian cancer syndrome; Hereditary breast and ovarian cancer; Hereditary breast and ovarian cancer syndrome (HBOC); Breast and ovarian cancer; Hereditary breast and/or ovarian cancer syndrome; BRCA1- and BRCA2-Associated Hereditary Breast and Ovarian Cancer. Identifiers: Orphanet 145, MedGen C0677776, MeSH D061325, MONDO:0003582. Disease mechanism: loss of function.
Breast-ovarian cancer, familial, susceptibility to, 2 (BROVCA2). Also called: BRCA2 Hereditary Breast and Ovarian Cancer. Identifiers: Orphanet 145, MedGen C2675520, MONDO:0012933, OMIM 612555. Disease mechanism: loss of function.
Familial cancer of breast. Also called: BREAST CANCER, FAMILIAL; Hereditary breast cancer; hereditary breast carcinoma. Identifiers: Orphanet 227535, MedGen C0346153, MONDO:0016419, OMIM 114480. Disease mechanism: loss of function.
Hereditary cancer-predisposing syndrome. Also called: Neoplastic Syndromes, Hereditary; Tumor predisposition; Hereditary neoplastic syndrome; Hereditary Cancer Syndrome. Identifiers: Orphanet 140162, MedGen C0027672, MeSH D009386, MONDO:0015356.

Allele frequency attached by ClinVar (database versions not stated): ExAC 0.00002; gnomAD exomes 0.00002.
gnomAD v4.1: 6 of 1,522,914 alleles (0.00039%); highest among the groups gnomAD compares: Admixed American, 0.01%; no homozygotes.

Submissions (8):

Labcorp Genetics (formerly Invitae), Labcorp
Classification: Uncertain significance for Hereditary breast ovarian cancer syndrome. Last evaluated: 2025-10-17. Review status: criteria provided, single submitter. Criteria: Invitae Variant Classification Sherloc (09022015). Collection method: clinical testing. Allele origin: germline.
Comment: This sequence change replaces proline, which is neutral and non-polar, with histidine, which is basic and polar, at codon 2283 of the BRCA2 protein (p.Pro2283His). This variant is present in population databases (rs80358910, gnomAD 0.02%). This missense change has been observed in individual(s) with breast and/or ovarian cancer (PMID: 24549055). ClinVar contains an entry for this variant (Variation ID: 52214). Invitae Evidence Modeling of protein sequence and biophysical properties (such as structural, functional, and spatial information, amino acid conservation, physicochemical variation, residue mobility, and thermodynamic stability) indicates that this missense variant is not expected to disrupt BRCA2 protein function with a negative predictive value of 95%. In summary, the available evidence is currently insufficient to determine the role of this variant in disease. Therefore, it has been classified as a Variant of Uncertain Significance.

Quest Diagnostics Nichols Institute San Juan Capistrano
Classification: Uncertain significance. Last evaluated: 2024-10-23. Review status: criteria provided, single submitter. Criteria: Quest Diagnostics criteria. Collection method: clinical testing. Allele origin: unknown.
Comment: The BRCA2 c.6848C>A (p.Pro2283His) variant has been reported in the published literature in an individual with breast and/or ovarian cancer (PMID: 24549055 (2014)). A large multifactorial analysis study has classified the variant as a variant of uncertain significance (PMID: 31131967 (2019)). The frequency of this variant in the general population, 0.00018 (6/33760 chromosomes (Genome Aggregation Database)), is uninformative in the assessment of its pathogenicity. Analysis of this variant using bioinformatics tools for the prediction of the effect of amino acid changes on protein structure and function yielded predictions that this variant is damaging. Based on the available information, we are unable to determine the clinical significance of this variant.

Ambry Genetics
Classification: Uncertain significance for Hereditary cancer-predisposing syndrome. Last evaluated: 2024-03-05. Review status: criteria provided, single submitter. Criteria: Ambry Variant Classification Scheme 2023. Collection method: clinical testing. Allele origin: germline.
Comment: The p.P2283H variant (also known as c.6848C>A), located in coding exon 11 of the BRCA2 gene, results from a C to A substitution at nucleotide position 6848. The proline at codon 2283 is replaced by histidine, an amino acid with similar properties. This variant has been detected in two French breast or ovarian cancer patients (Castera L et al. Eur J Hum Genet. 2014 Nov;22(11):1305-13). This amino acid position is highly conserved in available vertebrate species. In addition, the in silico prediction for this alteration is inconclusive. Based on the available evidence, the clinical significance of this alteration remains unclear.

Baylor Genetics
Classification: Uncertain significance for Familial cancer of breast. Last evaluated: 2023-09-06. Review status: criteria provided, single submitter. Criteria: ACMG Guidelines, 2015. Collection method: clinical testing. Allele origin: unknown.

Women's Health and Genetics/Laboratory Corporation of America, LabCorp
Classification: Uncertain significance. Last evaluated: 2023-05-08. Review status: criteria provided, single submitter. Criteria: LabCorp Variant Classification Summary - May 2015. Collection method: clinical testing. Allele origin: germline.
Comment: Variant summary: BRCA2 c.6848C>A (p.Pro2283His) results in a non-conservative amino acid change in the encoded protein sequence. Five of five in-silico tools predict a damaging effect of the variant on protein function. The variant allele was found at a frequency of 2.4e-05 in 245672 control chromosomes (gnomAD). The available data on variant occurrences in the general population are insufficient to allow any conclusion about variant significance. c.6848C>A has been reported in the literature in individuals affected with Hereditary Breast And/or Ovarian Cancer (example: Castera_2014). This report does not provide unequivocal conclusions about association of the variant with Hereditary Breast And Ovarian Cancer Syndrome. To our knowledge, no experimental evidence demonstrating an impact on protein function has been reported. The following publication has been ascertained in the context of this evaluation (PMID: 24549055). Four clinical diagnostic laboratories have submitted clinical-significance assessments for this variant to ClinVar after 2014 and all laboratories classified the variant as uncertain significance. Based on the evidence outlined above, the variant was classified as uncertain significance.

All of Us Research Program, National Institutes of Health
Classification: Uncertain significance for Breast-ovarian cancer, familial, susceptibility to, 2. Last evaluated: 2023-02-22. Review status: criteria provided, single submitter. Criteria: ACMG Guidelines, 2015. Collection method: clinical testing. Allele origin: germline. Inheritance: Autosomal dominant inheritance. Observed: 1 variant allele, 1 heterozygote.
Comment: This missense variant replaces proline with histidine at codon 2283 of the BRCA2 protein. Computational prediction suggests that this variant may have deleterious impact on protein structure and function (internally defined REVEL score threshold >= 0.7, PMID: 27666373). To our knowledge, functional studies have not been reported for this variant. This variant has been reported in individuals affected with breast and/or ovarian cancer (PMID: 24549055). This variant has been identified in 6/245672 chromosomes in the general population by the Genome Aggregation Database (gnomAD). The available evidence is insufficient to determine the role of this variant in disease conclusively. Therefore, this variant is classified as a Variant of Uncertain Significance.

This study involves interpretation of variants in research participants for the purpose of population health screening. Participant phenotype was not available at the time of variant classification. Additional details can be found in publication PMID: 35346344, PMCID: PMC8962531

Color Diagnostics, LLC DBA Color Health
Classification: Uncertain significance for Hereditary cancer-predisposing syndrome. Last evaluated: 2021-06-29. Review status: criteria provided, single submitter. Criteria: ACMG Guidelines, 2015. Collection method: clinical testing. Allele origin: germline.
Comment: This missense variant replaces proline with histidine at codon 2283 of the BRCA2 protein. Computational prediction suggests that this variant may have deleterious impact on protein structure and function (internally defined REVEL score threshold >= 0.7, PMID: 27666373). To our knowledge, functional studies have not been reported for this variant. This variant has been reported in individuals affected with breast and/or ovarian cancer (PMID: 24549055). This variant has been identified in 6/245672 chromosomes in the general population by the Genome Aggregation Database (gnomAD). The available evidence is insufficient to determine the role of this variant in disease conclusively. Therefore, this variant is classified as a Variant of Uncertain Significance.

Breast Cancer Information Core (BIC) (BRCA2)
Classification: Uncertain significance for Breast-ovarian cancer, familial 2. Last evaluated: 2004-02-20. Review status: no assertion criteria provided. Collection method: clinical testing. Allele origin: germline. Affected: yes. Observed: 1 variant allele. Not counted in ClinVar's aggregate classification.

Literature cited by the submitters: PubMed 24549055 (cited by 4 submitters); PubMed 31131967 (cited by Quest Diagnostics Nichols Institute San Juan Capistrano).